The following is an entry in ClinVar:

ClinVar aggregate classification (germline): Likely pathogenic (0 of 4 stars; one submission).

Conditions:
Facioscapulohumeral muscular dystrophy 2 (FSHD2). Also called: MUSCULAR DYSTROPHY, FACIOSCAPULOHUMERAL, TYPE 1B; FACIOSCAPULOHUMERAL MUSCULAR DYSTROPHY 2, DIGENIC; FSHD2, DIGENIC. Identifiers: Orphanet 269, MedGen C1834671, MONDO:0008031, OMIM 158901.

Submission:

Solve-RD Consortium
Classification: Likely pathogenic for Facioscapulohumeral muscular dystrophy 2. Last evaluated: 2022-06-01. Review status: no assertion criteria provided. Collection method: provider interpretation. Allele origin: inherited. Affected: yes.
Comment: Variant confirmed as disease-causing by referring clinical team

Variant identified during reanalysis of unsolved cases by the Solve-RD project. The Solve-RD project has received funding from the European Union’s Horizon 2020 research and innovation programme under grant agreement No 779257.

Literature cited by the submitters: PubMed 39825153.

NM_015295.3(SMCHD1):c.3015dup (p.Asp1006fs)

Gene: SMCHD1 (structural maintenance of chromosomes flexible hinge domain containing 1; plus strand). Cytogenetic location: 18p11.32.
Variant type: Duplication.
Coding change: c.3015dup on transcript NM_015295.3 (MANE Select); coding-DNA position 3015, one base duplicated (A; older notation c.3015dupA).
Protein change: p.Asp1006fs; shifts the reading frame from aspartic acid 1006.
Molecular consequence: frameshift variant.
Genome position (GRCh38, 1-based): chr18:2,729,376, A duplicated; the last of 6 consecutive A bases (chr18:2,729,371-2,729,376); duplicating any one gives the same sequence. VCF-style (leftmost placement, unchanged base first): chr18-2729370-T-TA. GRCh37 (hg19) VCF-style: chr18-2729368-T-TA.
Other names: short protein forms D1006fs.
Identifiers: ClinVar variation 3338076 (VCV003338076.1).
Genomic context (GRCh38, chr18:2,729,370, plus strand): 5'-AGATTGCAGTAGTTCTGGAACCAGTATTTTAACAGGATCTGCAATTCAAGTTCAGAATAT[T>TA]AAAAAAGACCAGACGCTTAAAGCAAGAATTGAAATACCTGTAAGTTATTATTGTTACTCA-3'